The following is an entry in ClinVar:

NM_001370100.5(ZMYND11):c.289G>A (p.Glu97Lys)

Gene: ZMYND11 (zinc finger MYND-type containing 11; plus strand). Cytogenetic location: 10p15.3.
Variant type: single nucleotide variant.
Coding change: c.289G>A on transcript NM_001370100.5 (MANE Select); coding-DNA position 289, G replaced by A.
Protein change: p.Glu97Lys; replaces glutamic acid 97 with lysine.
Molecular consequence: missense variant. On other transcripts: non-coding transcript variant (1), intron variant (18).
Genome position (GRCh38, 1-based): chr10:221,207, G>A. VCF-style: chr10-221207-G-A. GRCh37 (hg19) VCF-style: chr10-267147-G-A.
Other names: c.289G>A, p.Glu97Lys (NM_001202468.1, NM_001370097.3, NM_001370098.2 and 10 more transcripts); c.238G>A, p.Glu80Lys (NM_001330057.3, NM_001370112.2); c.223G>A, p.Glu75Lys (NM_001370116.2); c.169G>A, p.Glu57Lys (NM_001370118.2); c.276+11159G>A (NM_001370103.2, NM_001370104.2, NM_001370105.2 and 11 more transcripts); c.210+11159G>A (NM_001370120.2); c.-33-15631G>A (NM_001370124.3); c.225+11159G>A (NM_001370123.2); and 1 more; short protein forms E57K, E75K, E80K, E97K.
Identifiers: ClinVar variation 3767599 (VCV003767599.1).

ClinVar aggregate classification (germline): Uncertain significance (1 of 4 stars; one submission).

Submission:

GeneDx
Classification: Uncertain significance. Last evaluated: 2024-09-10. Review status: criteria provided, single submitter. Criteria: GeneDx Variant Classification Process June 2021. Collection method: clinical testing. Allele origin: germline. Affected: yes.
Comment: Not observed at significant frequency in large population cohorts (gnomAD); In silico analysis indicates that this missense variant does not alter protein structure/function; Has not been previously published as pathogenic or benign to our knowledge